The following continues an entry in ClinVar:

NM_000092.5(COL4A4):c.4129C>T (p.Arg1377Ter)

Gene: COL4A4. ClinVar aggregate classification (germline): Pathogenic/Likely pathogenic. Pathogenic (13); Likely pathogenic (1).

Submissions 12 to 18 of 18:

Myriad Genetics, Inc.
Classification: Pathogenic for Autosomal recessive Alport syndrome. Last evaluated: 2021-11-16. Review status: criteria provided, single submitter. Criteria: Myriad Women's Health Autosomal Recessive and X-Linked Classification Criteria (2021). Collection method: clinical testing. Allele origin: unknown.
Comment: NM_000092.4(COL4A4):c.4129C>T(R1377*) is a nonsense variant classified as pathogenic in the context of COL4A4-related Alport syndrome. R1377* has been observed in cases with relevant disease (PMID: 9792860). Functional assessments of this variant are not available in the literature. R1377* has been observed in population frequency databases (gnomAD: ASJ 0.01%). In summary, NM_000092.4(COL4A4):c.4129C>T(R1377*) is a nonsense variant in a gene where loss of function is a known mechanism of disease and is predicted to disrupt protein function. Please note: this variant was assessed in the context of healthy population screening.

Victorian Clinical Genetics Services, Murdoch Childrens Research Institute
Classification: Pathogenic for Hematuria, benign familial, 1. Last evaluated: 2018-06-28. Review status: criteria provided, single submitter. Criteria: ACMG Guidelines, 2015. Collection method: clinical testing. Allele origin: unknown. Affected: yes.
Comment: A heterozygous nonsense variant, NM_000092.4(COL4A4):c.4129C>T, has been identified in exon 44 of 48 of the COL4A4 gene. The variant is predicted to result in a premature stop codon at position 1377 of the protein, NP_000083.3(COL4A4):p.(Arg1377*). This variant is predicted to result in loss of protein function either through truncation (including loss of a quarter of the protein) or nonsense-mediated decay, which is a reported mechanism of pathogenicity for this gene. The variant is present in the gnomAD database at a frequency of 0.00081% (2 heterozygotes, 0 homozygote). The variant has previously been described as pathogenic in multiple patients with Alport syndrome (ClinVar, Boye, E., et al. (1998), Buzza, M., et al. (2001), Buzza, M., et al. (2003)) and has also been shown to segregate with haematuria in these families. In addition, other truncating variants upstream and downstream of this variant have been reported as pathogenic in individuals with Alport sydrome. Based on the information available at the time of curation, this variant has been classified as PATHOGENIC.

Equipe Genetique des Anomalies du Developpement, Université de Bourgogne
Classification: Pathogenic for Kidney disorder. Review status: criteria provided, single submitter. Criteria: ACMG Guidelines, 2015. Collection method: clinical testing. Allele origin: unknown. Affected: yes.

Bioscientia Institut fuer Medizinische Diagnostik GmbH, Sonic Healthcare
Classification: Pathogenic for Autosomal dominant Alport syndrome. Last evaluated: 2019-01-03. Review status: no assertion criteria provided. Collection method: clinical testing. Allele origin: germline. Affected: yes. Not counted in ClinVar's aggregate classification.

Sydney Genome Diagnostics, Children's Hospital Westmead
Classification: Pathogenic for Alport syndrome. Last evaluated: 2018-10-24. Review status: no assertion criteria provided. Collection method: clinical testing. Allele origin: unknown. Affected: yes. Observed: 1 variant allele, 1 compound heterozygote. Not counted in ClinVar's aggregate classification.
Comment: This variant (dbSNP: rs121912861) creates a premature stop codon p.(Arg1377*), and may result in a null allele due to nonsense-mediated mRNA decay. This variant is considered to be pathogenic, and has been previously reported in conjunction with a second pathogenic mutation in two patients with Alport syndrome in the literature (Boye et al 1998 Am. J. Hum. Genet. 63:1329-40).

Gharavi Laboratory, Columbia University
Classification: Pathogenic. Last evaluated: 2018-09-16. Review status: no assertion criteria provided. Criteria: ACMG Guidelines, 2015. Collection method: research. Allele origin: germline. Affected: yes. Not counted in ClinVar's aggregate classification.

OMIM
Classification: Pathogenic for ALPORT SYNDROME 2, AUTOSOMAL RECESSIVE. Last evaluated: 1998-11-01. Review status: no assertion criteria provided. Collection method: literature only. Allele origin: germline. Not counted in ClinVar's aggregate classification.

Literature cited by the submitters: PubMed 9792860 (cited by 7 submitters); PubMed 12631110 (cited by 3 submitters); PubMed 28704582 (cited by Centre de Génétique Humaine, Institut de Pathologie Et de Génétique and Athena Diagnostics); PubMed 32939031 (cited by Centre de Génétique Humaine, Institut de Pathologie Et de Génétique and Athena Diagnostics); PubMed 33712733 (cited by Centre de Génétique Humaine, Institut de Pathologie Et de Génétique and Athena Diagnostics); PubMed 38978054 (cited by Centre de Génétique Humaine, Institut de Pathologie Et de Génétique and Athena Diagnostics); PubMed 25229338 (cited by Equipe Genetique des Anomalies du Developpement, Université de Bourgogne); PubMed 36925663 (cited by Equipe Genetique des Anomalies du Developpement, Université de Bourgogne); PubMed 39673454 (cited by Equipe Genetique des Anomalies du Developpement, Université de Bourgogne); PubMed 29854973 (cited by Equipe Genetique des Anomalies du Developpement, Université de Bourgogne and Natera, Inc.); PubMed 21196518 (cited by Labcorp Genetics (formerly Invitae), Labcorp); PubMed 24854265 (cited by Labcorp Genetics (formerly Invitae), Labcorp); PubMed 25307543 (cited by Labcorp Genetics (formerly Invitae), Labcorp); PubMed 31589614 (cited by Athena Diagnostics); PubMed 30586318 (cited by Athena Diagnostics); PubMed 31576025 (cited by Athena Diagnostics); PubMed 37097554 (cited by Athena Diagnostics); PubMed 28844315 (cited by Athena Diagnostics).